The following is an entry in ClinVar:

NM_182746.3(MCM4):c.683C>G (p.Ser228Cys)

Gene: MCM4 (minichromosome maintenance complex component 4; plus strand). Cytogenetic location: 8q11.21.
Variant type: single nucleotide variant.
Coding change: c.683C>G on transcript NM_182746.3 (MANE Select); coding-DNA position 683, C replaced by G.
Protein change: p.Ser228Cys; replaces serine 228 with cysteine.
Molecular consequence: missense variant.
Genome position (GRCh38, 1-based): chr8:47,963,030, C>G. VCF-style: chr8-47963030-C-G. GRCh37 (hg19) VCF-style: chr8-48875590-C-G.
Other names: c.683C>G, p.Ser228Cys (NM_005914.4); short protein forms S228C.
Identifiers: ClinVar variation 2289499 (VCV002289499.3), dbSNP rs764079802, ClinGen allele CA4742381.
Genomic context (GRCh38, chr8:47,963,030, plus strand): 5'-TAAATGTGAACTGTGAACACATCAAATCATTTGACAAAAATTTGTACAGACAACTCATCT[C>G]TTACCCACAGGTAAGAATTTAGCTTTGACCTTGATGAATTTTAGTAACAGTCTAGAAAGA-3'
Protein context (NP_877423.1, residues 218-238): FDKNLYRQLI[Ser228Cys]YPQEVIPTFD

ClinVar aggregate classification (germline): Conflicting classifications of pathogenicity. Review status: criteria provided, conflicting classifications (1 of 4 stars). 2 submissions from 2 submitters: Uncertain significance (1); Likely benign (1). Last evaluated 2025-05-22.

gnomAD v4.1: 48 of 1,587,736 alleles (0.003%); highest among the groups gnomAD compares: Non-Finnish European, 0.0036%; no homozygotes.

Submissions (2):

Labcorp Genetics (formerly Invitae), Labcorp
Classification: Uncertain significance. Last evaluated: 2025-05-22. Review status: criteria provided, single submitter. Criteria: Invitae Variant Classification Sherloc (09022015). Collection method: clinical testing. Allele origin: germline.
Comment: This sequence change replaces serine, which is neutral and polar, with cysteine, which is neutral and slightly polar, at codon 228 of the MCM4 protein (p.Ser228Cys). This variant is present in population databases (rs764079802, gnomAD 0.007%). This variant has not been reported in the literature in individuals affected with MCM4-related conditions. ClinVar contains an entry for this variant (Variation ID: 2289499). Invitae Evidence Modeling of protein sequence and biophysical properties (such as structural, functional, and spatial information, amino acid conservation, physicochemical variation, residue mobility, and thermodynamic stability) indicates that this missense variant is not expected to disrupt MCM4 protein function with a negative predictive value of 80%. In summary, the available evidence is currently insufficient to determine the role of this variant in disease. Therefore, it has been classified as a Variant of Uncertain Significance.

Ambry Genetics
Classification: Likely benign. Last evaluated: 2022-05-25. Review status: criteria provided, single submitter. Criteria: Ambry Variant Classification Scheme 2023. Collection method: clinical testing. Allele origin: germline.